The following is an entry in ClinVar:

NM_002317.7(LOX):c.86A>G (p.Gln29Arg)

Genes: LOX (lysyl oxidase; minus strand), SRFBP1 (serum response factor binding protein 1; plus strand). Cytogenetic location: 5q23.1.
Variant type: single nucleotide variant.
Coding change: c.86A>G on transcript NM_002317.7 (MANE Select); coding-DNA position 86, A replaced by G.
Protein change: p.Gln29Arg; replaces glutamine 29 with arginine.
Molecular consequence: missense variant.
Genome position (GRCh38, 1-based): chr5:122,077,900, T>C on the plus strand (A>G on the coding strand, the complement: LOX is on the minus strand). VCF-style: chr5-122077900-T-C. GRCh37 (hg19) VCF-style: chr5-121413595-T-C.
Other names: short protein forms Q29R.
Identifiers: ClinVar variation 3538988 (VCV003538988.1).

ClinVar aggregate classification (germline): Uncertain significance (1 of 4 stars; one submission).

Conditions:
Cardiovascular phenotype. Identifiers: MedGen CN230736.

gnomAD v4.1: 4 of 1,519,654 alleles (0.00026%); highest among the groups gnomAD compares: Admixed American, 0.0094%; no homozygotes.

Submission:

Ambry Genetics
Classification: Uncertain significance for Cardiovascular phenotype. Last evaluated: 2024-08-19. Review status: criteria provided, single submitter. Criteria: Ambry Variant Classification Scheme 2023. Collection method: clinical testing. Allele origin: germline.
Comment: The p.Q29R variant (also known as c.86A>G), located in coding exon 1 of the LOX gene, results from an A to G substitution at nucleotide position 86. The glutamine at codon 29 is replaced by arginine, an amino acid with highly similar properties. This amino acid position is conserved. In addition, this alteration is predicted to be tolerated by in silico analysis. Based on the available evidence, the clinical significance of this variant remains unclear.